The following is an entry in ClinVar:

ClinVar aggregate classification (germline): Pathogenic/Likely pathogenic. Review status: criteria provided, multiple submitters, no conflicts (2 of 4 stars). 7 submissions from 7 submitters: Pathogenic (3); Likely pathogenic (3). 1 of the submissions does not count toward it. Last evaluated 2026-06-22.

Conditions:
GNB2-related disorder. Also called: GNB2-related condition.
Neurodevelopmental disorder with hypotonia and dysmorphic facies. Identifiers: MedGen C5561974, MONDO:0859185, OMIM 619503.

Allele frequency attached by ClinVar (database versions not stated): gnomAD exomes below 0.00001; gnomAD 0.00001.
gnomAD v4.1: 7 of 1,613,692 alleles (0.00043%); highest among the groups gnomAD compares: African/African-American, 0.0013%; no homozygotes.

Submissions (7):

GeneDx
Classification: Pathogenic. Last evaluated: 2026-06-22. Review status: criteria provided, single submitter. Criteria: GeneDx Variant Classification Process June 2021. Collection method: clinical testing. Allele origin: germline.
Comment: In silico analysis supports that this missense variant has a deleterious effect on protein structure/function; This variant is associated with the following publications: (PMID: 28714951, 35982160, 28191890, 31785789, 33057194, 35982159, 38585854, 34183358, 38958063, 39039281, 39299904)

PreventionGenetics, part of Exact Sciences
Classification: Likely pathogenic for GNB2-related condition. Last evaluated: 2025-10-10. Review status: criteria provided, single submitter. Criteria: ACMG Guidelines, 2015. Collection method: clinical testing. Allele origin: germline.
Comment: The GNB2 c.217G>A variant is predicted to result in the amino acid substitution p.Ala73Thr. This variant has been reported to occur de novo in over five individuals with neurodevelopmental disorders (Tan et al. 2022. PubMed ID: 34183358; Table S1, Schmidt et al. 2024. PubMed ID: 39039281; Supplementary Table 1, Kosmicki et al. 2017. PubMed ID: 28191890; listed with the genomic position 100274988 in Table S2, Lim et al. 2017. PubMed ID: 28714951; Table S2, Turner et al. 2019. PubMed ID: 31785789). In one study, the p.Ala73Thr variant was associated with a more mild developmental delay/intellectual disability than other variants in GNB2 (Tan. 2021. PubMed ID: 34183358). Of note, in two families the variant was inherited from a presumably unaffected parent. This variant is reported in 0.011% of alleles in individuals of African descent in gnomAD. This variant is interpreted as likely pathogenic.

HudsonAlpha Institute for Biotechnology
Classification: Likely pathogenic for Neurodevelopmental disorder with hypotonia and dysmorphic facies. Last evaluated: 2024-03-14. Review status: criteria provided, single submitter. Criteria: ACMG Guidelines, 2015. Collection method: research. Allele origin: maternal. Affected: yes. Observed: 1 variant allele. Study: CSER-SouthSeq.

Institute for Medical Genetics and Human Genetics, Charité - Universitätsmedizin Berlin
Classification: Likely pathogenic for Neurodevelopmental disorder with hypotonia and dysmorphic facies. Last evaluated: 2022-09-22. Review status: criteria provided, single submitter. Criteria: ACMG Guidelines, 2015. Collection method: clinical testing. Allele origin: germline. Inheritance: Autosomal dominant inheritance. Affected: yes. Observed: 1 heterozygote.

3billion
Classification: Pathogenic for Neurodevelopmental disorder with hypotonia and dysmorphic facies. Last evaluated: 2022-01-03. Review status: criteria provided, single submitter. Criteria: ACMG Guidelines, 2015. Collection method: clinical testing. Allele origin: germline. Affected: yes. Observed: 1 heterozygote.
Comment: The variant has been observed in at least two similarly affected unrelated individuals (PMID: 34183358, PS4_M). The variant has been previously reported as de novo in a similarly affected individual (PMID: 34183358, PS2_S). In silico tool predictions suggest damaging effect of the variant on gene or gene product (REVEL: 0.639, PP3_P). A missense variant is a common mechanism associated with Neurodevelopmental disorder with hypotonia and dysmorphic facies (PP2_P). It is observed at an extremely low frequency in the gnomAD v2.1.1 dataset (total allele frequency: 0.000032, PM2_M).Therefore, this variant is classified as pathogenic according to the recommendation of ACMG/AMP guideline.

Equipe Genetique des Anomalies du Developpement, Université de Bourgogne
Classification: Pathogenic for Neurodevelopmental disorder with hypotonia and dysmorphic facies. Last evaluated: 2021-10-28. Review status: criteria provided, single submitter. Criteria: ACMG Guidelines, 2015. Collection method: clinical testing. Allele origin: de novo. Affected: yes.

OMIM
Classification: Pathogenic for NEURODEVELOPMENTAL DISORDER WITH HYPOTONIA AND DYSMORPHIC FACIES. Last evaluated: 2022-04-25. Review status: no assertion criteria provided. Collection method: literature only. Allele origin: germline. Not counted in ClinVar's aggregate classification.

Literature cited by the submitters: PubMed 34183358 (cited by 3billion and OMIM).

NM_005273.4(GNB2):c.217G>A (p.Ala73Thr)

Gene: GNB2 (G protein subunit beta 2; plus strand). Cytogenetic location: 7q22.1.
Variant type: single nucleotide variant.
Coding change: c.217G>A on transcript NM_005273.4 (MANE Select); coding-DNA position 217, G replaced by A.
Protein change: p.Ala73Thr; replaces alanine 73 with threonine.
Molecular consequence: missense variant.
Genome position (GRCh38, 1-based): chr7:100,677,365, G>A. VCF-style: chr7-100677365-G-A. GRCh37 (hg19) VCF-style: chr7-100274988-G-A.
Other names: short protein forms A73T.
Identifiers: ClinVar variation 1217305 (VCV001217305.10), dbSNP rs1424516740, ClinGen allele CA368514627.